The following is an entry in ClinVar:

ClinVar aggregate classification (germline): Uncertain significance. Review status: criteria provided, multiple submitters, no conflicts (2 of 4 stars). 2 submissions from 2 submitters: Uncertain significance (2). Last evaluated 2024-11-05.

Allele frequency attached by ClinVar (database versions not stated): gnomAD 0.00001; gnomAD exomes 0.00002; ExAC 0.00003.
gnomAD v4.1: 10 of 1,614,050 alleles (0.00062%); highest among the groups gnomAD compares: Admixed American, 0.0033%; no homozygotes.

Submissions (2):

Labcorp Genetics (formerly Invitae), Labcorp
Classification: Uncertain significance. Last evaluated: 2024-11-05. Review status: criteria provided, single submitter. Criteria: Invitae Variant Classification Sherloc (09022015). Collection method: clinical testing. Allele origin: germline.
Comment: This sequence change replaces proline, which is neutral and non-polar, with leucine, which is neutral and non-polar, at codon 158 of the TIMM50 protein (p.Pro158Leu). This variant is present in population databases (rs773813468, gnomAD 0.003%). This variant has not been reported in the literature in individuals affected with TIMM50-related conditions. ClinVar contains an entry for this variant (Variation ID: 1051539). An algorithm developed to predict the effect of missense changes on protein structure and function (PolyPhen-2) suggests that this variant¬†is likely to be tolerated. In summary, the available evidence is currently insufficient to determine the role of this variant in disease. Therefore, it has been classified as a Variant of Uncertain Significance.

GeneDx
Classification: Uncertain significance. Last evaluated: 2022-07-28. Review status: criteria provided, single submitter. Criteria: GeneDx Variant Classification Process June 2021. Collection method: clinical testing. Allele origin: germline. Affected: yes.
Comment: In silico analysis supports that this missense variant does not alter protein structure/function; Has not been previously published as pathogenic or benign to our knowledge

NM_001001563.5(TIMM50):c.164C>T (p.Pro55Leu)

Gene: TIMM50 (translocase of inner mitochondrial membrane 50; plus strand). Cytogenetic location: 19q13.2.
Variant type: single nucleotide variant.
Coding change: c.164C>T on transcript NM_001001563.5 (MANE Select); coding-DNA position 164, C replaced by T.
Protein change: p.Pro55Leu; replaces proline 55 with leucine.
Molecular consequence: missense variant. On other transcripts: 5 prime UTR variant (1).
Genome position (GRCh38, 1-based): chr19:39,481,938, C>T. VCF-style: chr19-39481938-C-T. GRCh37 (hg19) VCF-style: chr19-39972578-C-T.
Other names: c.-117C>T (NM_001329559.2); c.473C>T (NM_001001563.3); short protein forms P55L.
Identifiers: ClinVar variation 1051539 (VCV001051539.9), dbSNP rs773813468, ClinGen allele CA9431689.